The following is an entry in ClinVar:

NM_001162501.2(TNRC6B):c.1553A>T (p.Asp518Val)

Gene: TNRC6B (trinucleotide repeat containing adaptor 6B; plus strand). Cytogenetic location: 22q13.1.
Variant type: single nucleotide variant.
Coding change: c.1553A>T on transcript NM_001162501.2 (MANE Select); coding-DNA position 1553, A replaced by T.
Protein change: p.Asp518Val; replaces aspartic acid 518 with valine.
Molecular consequence: missense variant. On other transcripts: intron variant (1).
Genome position (GRCh38, 1-based): chr22:40,265,783, A>T. VCF-style: chr22-40265783-A-T. GRCh37 (hg19) VCF-style: chr22-40661787-A-T.
Other names: c.1553A>T, p.Asp518Val (NM_015088.3); c.565+3610A>T (NM_001024843.2); short protein forms D518V.
Identifiers: ClinVar variation 4979002 (VCV004979002.1).

ClinVar aggregate classification (germline): Uncertain significance (1 of 4 stars; one submission).

Conditions:
TNRC6B-related disorder. Also called: TNRC6B-related condition.

gnomAD v4.1: 1 of 1,614,008 alleles (0.000062%); highest among the groups gnomAD compares: Non-Finnish European, 0.000085%; no homozygotes.

Submission:

PreventionGenetics, part of Exact Sciences
Classification: Uncertain significance for TNRC6B-related condition. Last evaluated: 2024-11-07. Review status: criteria provided, single submitter. Criteria: ACMG Guidelines, 2015. Collection method: clinical testing. Allele origin: germline.
Comment: The TNRC6B c.1553A>T variant is predicted to result in the amino acid substitution p.Asp518Val. To our knowledge, this variant has not been reported in the literature or in a large population database (gnomAD), indicating this variant is rare. At this time, the clinical significance of this variant is uncertain due to the absence of conclusive functional and genetic evidence.